The following is an entry in ClinVar:

ClinVar aggregate classification (germline): Uncertain significance. Review status: criteria provided, multiple submitters, no conflicts (2 of 4 stars). 4 submissions from 4 submitters: Uncertain significance (4). Last evaluated 2025-06-10.

Conditions:
Malignant hyperthermia, susceptibility to, 1 (MHS1). Also called: RYR1-Related Malignant Hyperthermia Susceptibility; Anesthesia related hyperthermia; Malignant hyperpyrexia; Fulminating hyperpyrexia; Pharmacogenic myopathy; Malignant hyperthermia suceptibility 1. Identifiers: Orphanet 423, MedGen C2930980, MONDO:0007783, OMIM 145600.
RYR1-related disorder. Also called: RYR1-related condition; RYR1-related disorders. Identifiers: MedGen CN239331.

Allele frequency attached by ClinVar (database versions not stated): gnomAD exomes below 0.00001 and 0.00001; gnomAD 0.00001; TOPMed 0.00001.
gnomAD v4.1: 4 of 1,559,064 alleles (0.00026%); highest among the groups gnomAD compares: Admixed American, 0.0019%; no homozygotes.

Submissions (4):

Color Diagnostics, LLC DBA Color Health
Classification: Uncertain significance for Malignant hyperthermia, susceptibility to, 1. Last evaluated: 2025-06-10. Review status: criteria provided, single submitter. Criteria: ACMG Guidelines, 2015. Collection method: clinical testing. Allele origin: germline.
Comment: This missense variant replaces proline with leucine at codon 1573 of the RYR1 protein. Computational prediction suggests that this variant may have deleterious impact on protein structure and function. To our knowledge, functional studies have not been reported for this variant. This variant has not been reported in individuals affected with autosomal dominant malignant hyperthermia in the literature, although it has been reported in other phenotype(s) (PMID: 22407809). This variant has been identified in 1/165080 chromosomes in the general population by the Genome Aggregation Database (gnomAD). Due to insufficient evidence, this variant is classified as a Variant of Uncertain Significance for autosomal dominant malignant hyperthermia.

All of Us Research Program, National Institutes of Health
Classification: Uncertain significance for Malignant hyperthermia, susceptibility to, 1. Last evaluated: 2022-12-07. Review status: criteria provided, single submitter. Criteria: ACMG Guidelines, 2015. Collection method: clinical testing. Allele origin: germline. Inheritance: Autosomal dominant inheritance. Observed: 1 variant allele, 1 heterozygote.
Comment: This study involves interpretation of variants in research participants for the purpose of population health screening. Participant phenotype was not available at the time of variant classification. Additional details can be found in publication PMID: 35346344, PMCID: PMC8962531

Labcorp Genetics (formerly Invitae), Labcorp
Classification: Uncertain significance for RYR1-related disorder. Last evaluated: 2022-03-20. Review status: criteria provided, single submitter. Criteria: Invitae Variant Classification Sherloc (09022015). Collection method: clinical testing. Allele origin: germline.
Comment: This sequence change replaces proline, which is neutral and non-polar, with leucine, which is neutral and non-polar, at codon 1573 of the RYR1 protein (p.Pro1573Leu). The frequency data for this variant in the population databases is considered unreliable, as metrics indicate poor data quality at this position in the gnomAD database. This missense change has been observed in individual(s) with autosomal recessive RYR1-related conditions (PMID: 22407809). ClinVar contains an entry for this variant (Variation ID: 1198404). Advanced modeling of protein sequence and biophysical properties (such as structural, functional, and spatial information, amino acid conservation, physicochemical variation, residue mobility, and thermodynamic stability) performed at Invitae indicates that this missense variant is expected to disrupt RYR1 protein function. In summary, the available evidence is currently insufficient to determine the role of this variant in disease. Therefore, it has been classified as a Variant of Uncertain Significance.

GeneDx
Classification: Uncertain significance. Last evaluated: 2021-04-16. Review status: criteria provided, single submitter. Criteria: GeneDx Variant Classification Process June 2021. Collection method: clinical testing. Allele origin: germline. Affected: yes.
Comment: Not observed at a significant frequency in large population cohorts (Lek et al., 2016); In silico analysis supports that this missense variant has a deleterious effect on protein structure/function; This variant is associated with the following publications: (PMID: 22407809)

Literature cited by the submitters: PubMed 22407809 (cited by Color Diagnostics, LLC DBA Color Health and Labcorp Genetics (formerly Invitae), Labcorp).

NM_000540.3(RYR1):c.4718C>T (p.Pro1573Leu)

Gene: RYR1 (ryanodine receptor 1; plus strand). Cytogenetic location: 19q13.2.
Variant type: single nucleotide variant.
Coding change: c.4718C>T on transcript NM_000540.3 (MANE Select); coding-DNA position 4718, C replaced by T.
Protein change: p.Pro1573Leu; replaces proline 1573 with leucine.
Molecular consequence: missense variant.
Genome position (GRCh38, 1-based): chr19:38,483,300, C>T. VCF-style: chr19-38483300-C-T. GRCh37 (hg19) VCF-style: chr19-38973940-C-T.
Other names: c.4718C>T, p.Pro1573Leu (NM_001042723.2); short protein forms P1573L.
Identifiers: ClinVar variation 1198404 (VCV001198404.6), dbSNP rs774364705, ClinGen allele CA066398.